The following is an entry in ClinVar:

NM_004553.6(NDUFS6):c.310-10A>G

Gene: NDUFS6 (NADH:ubiquinone oxidoreductase subunit S6; plus strand). Cytogenetic location: 5p15.33.
Variant type: single nucleotide variant.
Coding change: c.310-10A>G on transcript NM_004553.6 (MANE Select); 10 bases into the intron before coding-DNA position 310, A replaced by G.
Molecular consequence: intron variant.
Genome position (GRCh38, 1-based): chr5:1,815,841, A>G. VCF-style: chr5-1815841-A-G. GRCh37 (hg19) VCF-style: chr5-1815955-A-G.
Identifiers: ClinVar variation 1913334 (VCV001913334.3), dbSNP rs975339395, ClinGen allele CA113035308.

ClinVar aggregate classification (germline): Uncertain significance. Review status: criteria provided, multiple submitters, no conflicts (2 of 4 stars). 2 submissions from 2 submitters: Uncertain significance (2). Last evaluated 2026-04-05.

Allele frequency attached by ClinVar (database versions not stated): gnomAD exomes below 0.00001; TOPMed 0.00001.
gnomAD v4.1: 3 of 1,613,994 alleles (0.00019%); highest among the groups gnomAD compares: Admixed American, 0.0033%; no homozygotes.

Submissions (2):

GeneDx
Classification: Uncertain significance. Last evaluated: 2026-04-05. Review status: criteria provided, single submitter. Criteria: GeneDx Variant Classification Process June 2021. Collection method: clinical testing. Allele origin: germline.
Comment: Not observed at significant frequency in large population cohorts (gnomAD); In silico analysis supports a deleterious effect on splicing; Has not been previously published as pathogenic or benign to our knowledge

Labcorp Genetics (formerly Invitae), Labcorp
Classification: Uncertain significance. Last evaluated: 2021-12-03. Review status: criteria provided, single submitter. Criteria: Invitae Variant Classification Sherloc (09022015). Collection method: clinical testing. Allele origin: germline.
Comment: This sequence change falls in intron 3 of the NDUFS6 gene. It does not directly change the encoded amino acid sequence of the NDUFS6 protein. This variant is present in population databases (no rsID available, gnomAD 0.006%). This variant has not been reported in the literature in individuals affected with NDUFS6-related conditions. Algorithms developed to predict the effect of sequence changes on RNA splicing suggest that this variant may disrupt the consensus splice site. In summary, the available evidence is currently insufficient to determine the role of this variant in disease. Therefore, it has been classified as a Variant of Uncertain Significance.